The following is an entry in ClinVar:

ClinVar aggregate classification (germline): Uncertain significance (1 of 4 stars; one submission).

Conditions:
Townes syndrome (TBS). Also called: Townes-Brocks syndrome. Identifiers: Orphanet 857, MedGen C0265246, MeSH C536974, MONDO:0007142.

Allele frequency attached by ClinVar (database versions not stated): ExAC 0.00005; gnomAD 0.00005; ESP Exome Variant Server 0.00008; 1000 Genomes Project 30x 0.00016; TOPMed 0.00003; 1000 Genomes Project 0.00020.
gnomAD v4.1: 22 of 1,614,148 alleles (0.0014%); highest among the groups gnomAD compares: Admixed American, 0.028%; no homozygotes.

Submission:

Labcorp Genetics (formerly Invitae), Labcorp
Classification: Uncertain significance for Townes syndrome. Last evaluated: 2025-12-06. Review status: criteria provided, single submitter. Criteria: Invitae Variant Classification Sherloc (09022015). Collection method: clinical testing. Allele origin: germline.
Comment: This sequence change replaces serine, which is neutral and polar, with phenylalanine, which is neutral and non-polar, at codon 961 of the SALL1 protein (p.Ser961Phe). This variant is present in population databases (rs148016347, gnomAD 0.03%). This variant has not been reported in the literature in individuals affected with SALL1-related conditions. ClinVar contains an entry for this variant (Variation ID: 2817094). Invitae Evidence Modeling of protein sequence and biophysical properties (such as structural, functional, and spatial information, amino acid conservation, physicochemical variation, residue mobility, and thermodynamic stability) indicates that this missense variant is not expected to disrupt SALL1 protein function with a negative predictive value of 80%. In summary, the available evidence is currently insufficient to determine the role of this variant in disease. Therefore, it has been classified as a Variant of Uncertain Significance.

NM_002968.3(SALL1):c.2882C>T (p.Ser961Phe)

Gene: SALL1 (spalt like transcription factor 1; minus strand). Cytogenetic location: 16q12.1.
Variant type: single nucleotide variant.
Coding change: c.2882C>T on transcript NM_002968.3 (MANE Select); coding-DNA position 2882, C replaced by T.
Protein change: p.Ser961Phe; replaces serine 961 with phenylalanine.
Molecular consequence: missense variant.
Genome position (GRCh38, 1-based): chr16:51,139,340, G>A on the plus strand (C>T on the coding strand, the complement: SALL1 is on the minus strand). VCF-style: chr16-51139340-G-A. GRCh37 (hg19) VCF-style: chr16-51173251-G-A.
Other names: c.2591C>T, p.Ser864Phe (NM_001127892.2); short protein forms S864F, S961F.
Identifiers: ClinVar variation 2817094 (VCV002817094.3), dbSNP rs148016347, ClinGen allele CA8053022.